The following is an entry in ClinVar:

NM_000238.4(KCNH2):c.184C>T (p.Arg62Ter)

Gene: KCNH2 (potassium voltage-gated channel subfamily H member 2; minus strand). Cytogenetic location: 7q36.1.
Variant type: single nucleotide variant.
Coding change: c.184C>T on transcript NM_000238.4 (MANE Select); coding-DNA position 184, C replaced by T.
Protein change: p.Arg62Ter; replaces arginine 62 with a stop codon.
Molecular consequence: nonsense. On other transcripts: non-coding transcript variant (1).
Genome position (GRCh38, 1-based): chr7:150,974,834, G>A on the plus strand (C>T on the coding strand, the complement: KCNH2 is on the minus strand). VCF-style: chr7-150974834-G-A. GRCh37 (hg19) VCF-style: chr7-150671922-G-A.
Other names: c.7C>T, p.Arg3Ter (NM_001406755.1); c.184C>T, p.Arg62Ter (NM_172056.3); short protein forms R3*, R62*.
Identifiers: ClinVar variation 4725502 (VCV004725502.1).
Genomic context (GRCh38, chr7:150,974,834, plus strand): 5'-TCTGCGCGGCAGCGCGGCGCTGCGTGCGCGGCCCGTGCAGGAAGTCGCAGGTGCAGGGTC[G>A]CTGCATCACCTCGGCCCGCGAGTAGCCGCACAGCTCGCAGAAGCCGTCGTTGCAGTAGAT-3'

ClinVar aggregate classification (germline): Pathogenic (1 of 4 stars; one submission).

Conditions:
Long QT syndrome (LQTS). Identifiers: MedGen C0023976, MeSH D008133, MONDO:0002442. Disease mechanism: loss of function. Inheritance: Various modes of inheritance.

Submission:

Labcorp Genetics (formerly Invitae), Labcorp
Classification: Pathogenic for Long QT syndrome. Last evaluated: 2025-08-15. Review status: criteria provided, single submitter. Criteria: Invitae Variant Classification Sherloc (09022015). Collection method: clinical testing. Allele origin: germline.
Comment: This sequence change creates a premature translational stop signal (p.Arg62*) in the KCNH2 gene. It is expected to result in an absent or disrupted protein product. Loss-of-function variants in KCNH2 are known to be pathogenic (PMID: 10973849, 19862833). This variant is not present in population databases (gnomAD no frequency). This variant has not been reported in the literature in individuals affected with KCNH2-related conditions. For these reasons, this variant has been classified as Pathogenic.

Literature cited by the submitters: PubMed 10973849; PubMed 19862833.